The following is an entry in ClinVar:

NM_138694.4(PKHD1):c.7361G>A (p.Cys2454Tyr)

Gene: PKHD1 (PKHD1 ciliary IPT domain containing fibrocystin/polyductin; minus strand). Cytogenetic location: 6p12.2.
Variant type: single nucleotide variant.
Coding change: c.7361G>A on transcript NM_138694.4 (MANE Select); coding-DNA position 7361, G replaced by A.
Protein change: p.Cys2454Tyr; replaces cysteine 2454 with tyrosine.
Molecular consequence: missense variant.
Genome position (GRCh38, 1-based): chr6:51,870,629, C>T on the plus strand (G>A on the coding strand, the complement: PKHD1 is on the minus strand). VCF-style: chr6-51870629-C-T. GRCh37 (hg19) VCF-style: chr6-51735427-C-T.
Other names: c.7361G>A, p.Cys2454Tyr (NM_170724.3); short protein forms C2454Y.
Identifiers: ClinVar variation 1209763 (VCV001209763.9), dbSNP rs747072396, ClinGen allele CA3851949.

ClinVar aggregate classification (germline): Uncertain significance. Review status: criteria provided, multiple submitters, no conflicts (2 of 4 stars). 6 submissions from 6 submitters: Uncertain significance (6). Last evaluated 2025-10-03.

Conditions:
PKHD1-related disorder. Also called: PKHD1-related condition.
Polycystic kidney disease 4 (PKD4). Also called: POLYCYSTIC KIDNEY DISEASE 4 WITH OR WITHOUT POLYCYSTIC LIVER DISEASE; POLYCYSTIC KIDNEY AND HEPATIC DISEASE 1; POLYCYSTIC KIDNEY DISEASE, INFANTILE, TYPE I; PKD3; Autosomal Recessive Polycystic Kidney Disease – PKHD1. Identifiers: MedGen C4540575, MONDO:0033004, OMIM 263200.
Autosomal recessive polycystic kidney disease (ARPKD). Also called: AR polycystic kidney disease. Identifiers: Orphanet 731, Orphanet 8378, MedGen C0085548, MeSH D017044, MONDO:0009889.

Allele frequency attached by ClinVar (database versions not stated): gnomAD 0.00003; TOPMed 0.00006; ExAC 0.00008; gnomAD exomes 0.00011.
gnomAD v4.1: 59 of 1,609,242 alleles (0.0037%); highest among the groups gnomAD compares: Admixed American, 0.057%; no homozygotes.

Submissions (6):

Rare Kidney Stone Consortium and the Mayo Clinic Hyperoxaluria Center, Mayo Clinic
Classification: Uncertain significance for Polycystic kidney disease 4. Last evaluated: 2025-10-03. Review status: criteria provided, single submitter. Criteria: ACMG Guidelines, 2015. Collection method: research. Allele origin: germline. Observed: 1 variant allele.
Comment: ACMG:PM1, PM2, PP3

Laboratorio de Genetica e Diagnostico Molecular, Hospital Israelita Albert Einstein
Classification: Uncertain significance for Polycystic kidney disease 4. Last evaluated: 2023-09-21. Review status: criteria provided, single submitter. Criteria: ACMG Guidelines, 2015. Collection method: clinical testing. Allele origin: germline. Affected: yes.
Comment: ACMG classification criteria: PP3 supporting

PreventionGenetics, part of Exact Sciences
Classification: Uncertain significance for PKHD1-related condition. Last evaluated: 2023-02-07. Review status: criteria provided, single submitter. Criteria: ACMG Guidelines, 2015. Collection method: clinical testing. Allele origin: germline.
Comment: The PKHD1 c.7361G>A variant is predicted to result in the amino acid substitution p.Cys2454Tyr. To our knowledge, this variant has not been reported in the literature. This variant is reported in 0.064% of alleles in individuals of Latino descent in gnomAD. At this time, the clinical significance of this variant is uncertain due to the absence of conclusive functional and genetic evidence.

Labcorp Genetics (formerly Invitae), Labcorp
Classification: Uncertain significance for Autosomal recessive polycystic kidney disease. Last evaluated: 2022-09-14. Review status: criteria provided, single submitter. Criteria: Invitae Variant Classification Sherloc (09022015). Collection method: clinical testing. Allele origin: germline.
Comment: This sequence change replaces cysteine, which is neutral and slightly polar, with tyrosine, which is neutral and polar, at codon 2454 of the PKHD1 protein (p.Cys2454Tyr). This variant is present in population databases (rs747072396, gnomAD 0.07%). This variant has not been reported in the literature in individuals affected with PKHD1-related conditions. ClinVar contains an entry for this variant (Variation ID: 1209763). Advanced modeling of protein sequence and biophysical properties (such as structural, functional, and spatial information, amino acid conservation, physicochemical variation, residue mobility, and thermodynamic stability) performed at Invitae indicates that this missense variant is expected to disrupt PKHD1 protein function. In summary, the available evidence is currently insufficient to determine the role of this variant in disease. Therefore, it has been classified as a Variant of Uncertain Significance.

Fulgent Genetics
Classification: Uncertain significance for Polycystic kidney disease 4. Last evaluated: 2022-05-17. Review status: criteria provided, single submitter. Criteria: ACMG Guidelines, 2015. Collection method: clinical testing. Allele origin: unknown.

Genome-Nilou Lab
Classification: Uncertain significance for Polycystic kidney disease 4. Last evaluated: 2021-07-22. Review status: criteria provided, single submitter. Criteria: ACMG Guidelines, 2015. Collection method: clinical testing. Allele origin: germline. Affected: no.

Literature cited by the submitters: PubMed 40794449 (cited by Rare Kidney Stone Consortium and the Mayo Clinic Hyperoxaluria Center, Mayo Clinic).